The following is an entry in ClinVar:

NM_020944.3(GBA2):c.700C>T (p.Arg234Ter)

Gene: GBA2 (glucosylceramidase beta 2; minus strand). Cytogenetic location: 9p13.3.
Variant type: single nucleotide variant.
Coding change: c.700C>T on transcript NM_020944.3 (MANE Select); coding-DNA position 700, C replaced by T.
Protein change: p.Arg234Ter; replaces arginine 234 with a stop codon.
Molecular consequence: nonsense.
Genome position (GRCh38, 1-based): chr9:35,741,758, G>A on the plus strand (C>T on the coding strand, the complement: GBA2 is on the minus strand). VCF-style: chr9-35741758-G-A. GRCh37 (hg19) VCF-style: chr9-35741755-G-A.
Other names: c.700C>T, p.Arg234Ter (NM_001330660.2); short protein forms R234*.
Identifiers: ClinVar variation 41486 (VCV000041486.8), dbSNP rs398123013, ClinGen allele CA130874.
Genomic context (GRCh38, chr9:35,741,758, plus strand): 5'-TGATCTGACGGCAGGTGAGGGTGACATTCTGGCCAGGAAGCTGATAGACAGTCCAGGCTC[G>A]GGGATAGAGGGCATGGTAGAAAGCAAAGTACCCACACAGGCCCCAGTTCCAGCTGCGGAG-3'

ClinVar aggregate classification (germline): Pathogenic. Review status: criteria provided, multiple submitters, no conflicts (2 of 4 stars). 5 submissions from 5 submitters: Pathogenic (3). 2 of the submissions do not count toward it. Last evaluated 2024-04-16.

Conditions:
Spastic paraplegia. Identifiers: MedGen C0037772, HP:0001258.
Hereditary spastic paraplegia 46. Also called: Spastic paraplegia 46, autosomal recessive. Identifiers: Orphanet 320391, MedGen C2828721, MONDO:0013737, OMIM 614409.

Allele frequency attached by ClinVar (database versions not stated): TOPMed below 0.00001; gnomAD 0.00001; gnomAD exomes 0.00001 and 0.00003.
gnomAD v4.1: 42 of 1,613,832 alleles (0.0026%); highest among the groups gnomAD compares: Admixed American, 0.0033%; no homozygotes.

Submissions (5):

Labcorp Genetics (formerly Invitae), Labcorp
Classification: Pathogenic for Spastic paraplegia. Last evaluated: 2024-04-16. Review status: criteria provided, single submitter. Criteria: Invitae Variant Classification Sherloc (09022015). Collection method: clinical testing. Allele origin: germline.
Comment: This sequence change creates a premature translational stop signal (p.Arg234*) in the GBA2 gene. It is expected to result in an absent or disrupted protein product. Loss-of-function variants in GBA2 are known to be pathogenic (PMID: 23332916, 23332917). This variant is present in population databases (rs398123013, gnomAD 0.01%). This premature translational stop signal has been observed in individual(s) with hereditary spastic paraplegia (PMID: 23332916). ClinVar contains an entry for this variant (Variation ID: 41486). Algorithms developed to predict the effect of sequence changes on RNA splicing suggest that this variant may disrupt the consensus splice site. For these reasons, this variant has been classified as Pathogenic.

Institute of Medical Genetics and Applied Genomics, University Hospital Tübingen
Classification: Pathogenic. Last evaluated: 2020-10-23. Review status: criteria provided, single submitter. Criteria: ACMG Guidelines, 2015. Collection method: clinical testing. Allele origin: germline. Inheritance: Autosomal recessive inheritance. Affected: yes.

SIB Swiss Institute of Bioinformatics
Classification: Pathogenic for Hereditary spastic paraplegia 46. Last evaluated: 2019-01-25. Review status: criteria provided, single submitter. Criteria: ACMG Guidelines, 2015. Collection method: curation. Allele origin: unknown.
Comment: This variant is interpreted as a Pathogenic for Spastic paraplegia 46, autosomal recessive. The following ACMG Tag(s) were applied: PM2 : Absent from controls (or at extremely low frequency if recessive) in Exome Sequencing Project, 1000 Genomes Project, or Exome Aggregation Consortium. PS3-Moderate : PS3 downgraded in strength to Moderate (PMID:26220345). PVS1 : Predicted nullvariant in a gene where LOF is a known mechanism of disease. PP1 : Cosegregation with disease in multiple affected family members in a gene definitively known to cause the disease (PMID:23332917).

Solve-RD Consortium
Classification: Likely pathogenic for Hereditary spastic paraplegia 46. Last evaluated: 2022-06-01. Review status: no assertion criteria provided. Collection method: provider interpretation. Allele origin: inherited. Affected: yes. Not counted in ClinVar's aggregate classification.
Comment: Variant confirmed as disease-causing by referring clinical team

Variant identified during reanalysis of unsolved cases by the Solve-RD project. The Solve-RD project has received funding from the European Union’s Horizon 2020 research and innovation programme under grant agreement No 779257.

OMIM
Classification: Pathogenic for SPASTIC PARAPLEGIA 46, AUTOSOMAL RECESSIVE. Last evaluated: 2013-02-07. Review status: no assertion criteria provided. Collection method: literature only. Allele origin: germline. Not counted in ClinVar's aggregate classification.

Literature cited by the submitters: PubMed 23332916 (cited by Labcorp Genetics (formerly Invitae), Labcorp and OMIM); PubMed 23332917 (cited by Labcorp Genetics (formerly Invitae), Labcorp and SIB Swiss Institute of Bioinformatics); PubMed 26220345 (cited by SIB Swiss Institute of Bioinformatics); PubMed 39825153 (cited by Solve-RD Consortium).